The following is an entry in ClinVar:

ClinVar aggregate classification (germline): Pathogenic (1 of 4 stars; one submission).

Submission:

GeneDx
Classification: Pathogenic. Last evaluated: 2019-10-31. Review status: criteria provided, single submitter. Criteria: GeneDx Variant Classification Process June 2021. Collection method: clinical testing. Allele origin: germline. Affected: yes.
Comment: Has not been previously published as pathogenic or benign to our knowledge; Not observed in large population cohorts (Lek et al., 2016); Nonsense variant predicted to result in protein truncation or nonsense mediated decay in a gene for which loss-of-function is a known mechanism of disease

NM_000501.4(ELN):c.618T>A (p.Tyr206Ter)

Gene: ELN (elastin; plus strand). Cytogenetic location: 7q11.23.
Variant type: single nucleotide variant.
Coding change: c.618T>A on transcript NM_000501.4 (MANE Select); coding-DNA position 618, T replaced by A.
Protein change: p.Tyr206Ter; replaces tyrosine 206 with a stop codon.
Molecular consequence: nonsense.
Genome position (GRCh38, 1-based): chr7:74,046,742, T>A. VCF-style: chr7-74046742-T-A. GRCh37 (hg19) VCF-style: chr7-73461072-T-A.
Other names: p.Y206*:TAT>TAA; c.588T>A, p.Tyr196Ter (NM_001081752.3, NM_001278917.2); c.633T>A, p.Tyr211Ter (NM_001081753.3, NM_001081754.3); c.618T>A, p.Tyr206Ter (NM_001081755.3, NM_001278912.2, NM_001278915.2 and 2 more transcripts); c.552T>A, p.Tyr184Ter (NM_001278913.2); c.603T>A, p.Tyr201Ter (NM_001278914.2); c.486T>A, p.Tyr162Ter (NM_001278918.2); short protein forms Y206*, Y162*, Y211*, Y184*, Y196*, Y201*.
Identifiers: ClinVar variation 213174 (VCV000213174.3), dbSNP rs863223513, ClinGen allele CA320936.